The following is an entry in ClinVar:

NM_002354.3(EPCAM):c.299A>G (p.Asp100Gly)

Gene: EPCAM (epithelial cell adhesion molecule; plus strand). Cytogenetic location: 2p21.
Variant type: single nucleotide variant.
Coding change: c.299A>G on transcript NM_002354.3 (MANE Select); coding-DNA position 299, A replaced by G.
Protein change: p.Asp100Gly; replaces aspartic acid 100 with glycine.
Molecular consequence: missense variant.
Genome position (GRCh38, 1-based): chr2:47,373,922, A>G. VCF-style: chr2-47373922-A-G. GRCh37 (hg19) VCF-style: chr2-47601061-A-G.
Other names: short protein forms D100G.
Identifiers: ClinVar variation 132768 (VCV000132768.8), dbSNP rs587780557, ClinGen allele CA332112.
Genomic context (GRCh38, chr2:47,373,922, plus strand): 5'-GAAGAGCAAAACCTGAAGGGGCCCTCCAGAACAATGATGGGCTTTATGATCCTGACTGCG[A>G]TGAGAGCGGGCTCTTTAAGGCCAAGCAGTGCAACGGCACCTCCATGTGCTGGTGTGTGAA-3'
Protein context (NP_002345.2, residues 90-110): NNDGLYDPDC[Asp100Gly]ESGLFKAKQC

ClinVar aggregate classification (germline): Uncertain significance. Review status: criteria provided, multiple submitters, no conflicts (2 of 4 stars). 3 submissions from 2 submitters: Uncertain significance (2). 1 of the submissions does not count toward it. Last evaluated 2025-05-09.

Conditions:
Lynch syndrome. Identifiers: Orphanet 144, MedGen C4552100, MONDO:0005835. Disease mechanism: loss of function.

gnomAD v4.1: 9 of 1,614,144 alleles (0.00056%); highest among the groups gnomAD compares: East Asian, 0.0067%; no homozygotes.

Submissions (3):

Dasa
Classification: Uncertain significance. Last evaluated: 2025-05-09. Review status: criteria provided, single submitter. Criteria: DASA Assertion Criteria. Collection method: clinical testing. Allele origin: germline.
Comment: NM_002354.3(EPCAM):c.299A>G (p.Asp100Gly) is a missense variant that results in the substitution of aspartic acid with glycine. This variant is rare in population databases. The currently available literature and clinical evidence are not sufficient to establish a definitive association between this variant and the reported condition. Therefore, this variant is classified as a variant of uncertain significance.

Labcorp Genetics (formerly Invitae), Labcorp
Classification: Uncertain significance. Last evaluated: 2015-04-08. Review status: criteria provided, single submitter. Criteria: Invitae Variant Classification Sherloc (09022015). Collection method: clinical testing. Allele origin: germline.
Comment: This sequence change replaces aspartic acid with glycine at codon 100 of the EPCAM protein (p.Asp100Gly). The aspartic acid residue is highly conserved and there is a moderate physicochemical difference between aspartic acid and glycine. This variant has not been published in the literature and is present in population databases (no rsID, 0.0015%). Algorithms developed to predict the effect of missense changes on protein structure and function do not agree on the potential impact of this missense change (SIFT: "Deleterious"; PolyPhen-2: "Probably Damaging"; Align-GVGD: "Class C15"). In summary, this is a rare missense change with uncertain impact on protein function and mRNA splicing. Although there is no indication that this variant causes disease, the evidence is insufficient at this time to prove that conclusively. Therefore, it has been classified as a Variant of Uncertain Significance. Algorithms developed to predict the effect of sequence changes on mRNA splicing suggest that this variant may alter mRNA splicing, but this prediction has not been confirmed by published transcriptional studies.

Labcorp Genetics (formerly Invitae), Labcorp
Classification: Uncertain significance for Lynch syndrome. Last evaluated: 2015-04-08. Review status: flagged submission. Criteria: Invitae Variant Classification Sherloc (09022015). Collection method: clinical testing. Allele origin: germline. Not counted in ClinVar's aggregate classification.
Comment: This sequence change replaces aspartic acid with glycine at codon 100 of the EPCAM protein (p.Asp100Gly). The aspartic acid residue is highly conserved and there is a moderate physicochemical difference between aspartic acid and glycine. This variant has not been published in the literature and is present in population databases (no rsID, 0.0015%). Algorithms developed to predict the effect of sequence changes on mRNA splicing suggest that this variant may alter mRNA splicing, but this prediction has not been confirmed by published transcriptional studies. Algorithms developed to predict the effect of missense changes on protein structure and function do not agree on the potential impact of this missense change (SIFT: "Deleterious"; PolyPhen-2: "Probably Damaging"; Align-GVGD: "Class C15"). In summary, this is a rare missense change with uncertain impact on protein function and mRNA splicing. Although there is no indication that this variant causes disease, the evidence is insufficient at this time to prove that conclusively. Therefore, it has been classified as a Variant of Uncertain Significance.
ClinVar note: Reason: This record appears to be redundant with a more recent record from the same submitter.
ClinVar note: Notes: SCV000153978 appears to be redundant with SCV001532426.